The following is an entry in ClinVar:

NM_005554.4(KRT6A):c.1342T>A (p.Tyr448Asn)

Gene: KRT6A (keratin 6A; minus strand). Cytogenetic location: 12q13.13.
Variant type: single nucleotide variant.
Coding change: c.1342T>A on transcript NM_005554.4 (MANE Select); coding-DNA position 1342, T replaced by A.
Protein change: p.Tyr448Asn; replaces tyrosine 448 with asparagine.
Molecular consequence: missense variant.
Genome position (GRCh38, 1-based): chr12:52,488,410, A>T on the plus strand (T>A on the coding strand, the complement: KRT6A is on the minus strand). VCF-style: chr12-52488410-A-T. GRCh37 (hg19) VCF-style: chr12-52882194-A-T.
Other names: short protein forms Y448N.
Identifiers: ClinVar variation 3730411 (VCV003730411.2).
Genomic context (GRCh38, chr12:52,488,410, plus strand): 5'-GCTTGCGGTAGGTGGCGATCTCCACGTCCAGGGCCAGCTTGACATTCATCAGCTCCTGGT[A>T]CTCCTTCAGCAGCCGGGCCAGGTCCTGCTTGGCCTTCTGCAGGGCATCCTCCAGCCCTTC-3'
Protein context (NP_005545.1, residues 438-458): KQDLARLLKE[Tyr448Asn]QELMNVKLAL

ClinVar aggregate classification (germline): Uncertain significance (1 of 4 stars; one submission).

gnomAD v4.1: 14 of 1,613,396 alleles (0.00087%); highest among the groups gnomAD compares: African/African-American, 0.0013%; no homozygotes.

Submission:

Labcorp Genetics (formerly Invitae), Labcorp
Classification: Uncertain significance. Last evaluated: 2024-05-09. Review status: criteria provided, single submitter. Criteria: Invitae Variant Classification Sherloc (09022015). Collection method: clinical testing. Allele origin: germline.
Comment: This sequence change replaces tyrosine, which is neutral and polar, with asparagine, which is neutral and polar, at codon 448 of the KRT6A protein (p.Tyr448Asn). This variant is present in population databases (rs767275249, gnomAD 0.006%). This variant has not been reported in the literature in individuals affected with KRT6A-related conditions. Advanced modeling of protein sequence and biophysical properties (such as structural, functional, and spatial information, amino acid conservation, physicochemical variation, residue mobility, and thermodynamic stability) performed at Invitae indicates that this missense variant is expected to disrupt KRT6A protein function with a positive predictive value of 80%. In summary, the available evidence is currently insufficient to determine the role of this variant in disease. Therefore, it has been classified as a Variant of Uncertain Significance.